The following is an entry in ClinVar:

NM_000157.4(GBA1):c.334_338del (p.Gln112fs)

Genes: GBA1 (glucosylceramidase beta 1; minus strand), LOC106627981 (GBA recombination region; plus strand). Cytogenetic location: 1q22.
Variant type: Microsatellite.
Coding change: c.334_338del on transcript NM_000157.4 (MANE Select); coding-DNA positions 334 to 338, 5 bases deleted (CAGAA; older notation c.334_338delCAGAA).
Protein change: p.Gln112fs; shifts the reading frame from glutamine 112.
Molecular consequence: frameshift variant. On other transcripts: intron variant (1).
Genome position (GRCh38, 1-based): chr1:155,239,732-155,239,736, TTCTG deleted on the plus strand (CAGAA on the coding strand, the reverse complement: GBA1 is on the minus strand); deleting any 5 consecutive bases within chr1:155,239,732-155,239,741 gives the same sequence; the c. name uses the placement nearest the transcript's 3' end. VCF-style (leftmost placement, unchanged base first): chr1-155239731-CTTCTG-C. GRCh37 (hg19) VCF-style: chr1-155209522-CTTCTG-C.
Other names: c.334_338del, p.Gln112fs (NM_001005741.3, NM_001005742.3); c.73_77del, p.Gln25fs (NM_001171811.2); c.307+150_307+154del (NM_001171812.2); short protein forms Q112fs, Q25fs.
Identifiers: ClinVar variation 4817751 (VCV004817751.1).

ClinVar aggregate classification (germline): Pathogenic (1 of 4 stars; one submission).

Conditions:
Gaucher disease. Also called: Acute cerebral Gaucher disease; Cerebroside lipidosis syndrome; Gaucher splenomegaly; Sphingolipidosis 1; Glucocerebrosidosis; Glucosylceramidase deficiency. Identifiers: Orphanet 355, MedGen C0017205, MONDO:0018150.

Submission:

Natera, Inc.
Classification: Pathogenic for Gaucher disease. Last evaluated: 2025-09-02. Review status: criteria provided, single submitter. Criteria: Natera Variant Classification Schema (03/2026). Collection method: clinical testing. Allele origin: germline.
Comment: The c.334_338delCAGAA variant in GBA1 is a frameshift variant predicted to shift the reading frame beginning at codon 112 and leads to a stop codon 32 codons downstream. This variant is expected to result in nonsense mediated decay, truncation, or a dysfunctional protein product. This variant is rare in the general population with a frequency below the threshold expected for the associated phenotype(s). This variant has been observed in one or more individuals affected with the associated recessive disease, as either homozygous or compound heterozygous with a second variant (PMID: 34649574). Given the available evidence, this variant is classified as Pathogenic.

Literature cited by the submitters: PubMed 34649574.